The following is an entry in ClinVar:

ClinVar aggregate classification (germline): Likely benign (0 of 4 stars; one submission).

Conditions:
EP300-related disorder. Also called: EP300-related disorders; EP300-related condition.

Allele frequency attached by ClinVar (database versions not stated): gnomAD exomes below 0.00001; gnomAD 0.00001; TOPMed 0.00002.
gnomAD v4.1: 8 of 1,606,426 alleles (0.0005%); highest among the groups gnomAD compares: Non-Finnish European, 0.0006%; no homozygotes.

Submission:

PreventionGenetics, part of Exact Sciences
Classification: Likely benign for EP300-related condition. Last evaluated: 2024-08-25. Review status: no assertion criteria provided. Collection method: clinical testing. Allele origin: germline.
Comment: This variant is classified as likely benign based on ACMG/AMP sequence variant interpretation guidelines (Richards et al. 2015 PMID: 25741868, with internal and published modifications).

NM_001429.4(EP300):c.1529-4T>G

Gene: EP300 (E1A binding protein p300; plus strand). Cytogenetic location: 22q13.2.
Variant type: single nucleotide variant.
Coding change: c.1529-4T>G on transcript NM_001429.4 (MANE Select); 4 bases into the intron before coding-DNA position 1529, T replaced by G.
Molecular consequence: intron variant.
Genome position (GRCh38, 1-based): chr22:41,135,809, T>G. VCF-style: chr22-41135809-T-G. GRCh37 (hg19) VCF-style: chr22-41531813-T-G.
Other names: c.1529-4T>G (NM_001362843.2).
Identifiers: ClinVar variation 2636898 (VCV002636898.2), dbSNP rs908673217, ClinGen allele CA324521825.